The following is an entry in ClinVar:

ClinVar aggregate classification (germline): Uncertain significance. Review status: criteria provided, multiple submitters, no conflicts (2 of 4 stars). 3 submissions from 3 submitters: Uncertain significance (3). Last evaluated 2025-02-12.

Conditions:
Inborn genetic diseases. Identifiers: MedGen C0950123, MeSH D030342.

Allele frequency attached by ClinVar (database versions not stated): gnomAD 0.00003; TOPMed 0.00003.
gnomAD v4.1: 4 of 1,612,832 alleles (0.00025%); highest among the groups gnomAD compares: African/African-American, 0.004%; no homozygotes.

Submissions (3):

Ambry Genetics
Classification: Uncertain significance for Inborn genetic diseases. Last evaluated: 2025-02-12. Review status: criteria provided, single submitter. Criteria: Ambry Variant Classification Scheme 2023. Collection method: clinical testing. Allele origin: germline.

Labcorp Genetics (formerly Invitae), Labcorp
Classification: Uncertain significance. Last evaluated: 2021-12-29. Review status: criteria provided, single submitter. Criteria: Invitae Variant Classification Sherloc (09022015). Collection method: clinical testing. Allele origin: germline.
Comment: This sequence change replaces isoleucine, which is neutral and non-polar, with valine, which is neutral and non-polar, at codon 746 of the AGBL5 protein (p.Ile746Val). In summary, the available evidence is currently insufficient to determine the role of this variant in disease. Therefore, it has been classified as a Variant of Uncertain Significance. Algorithms developed to predict the effect of sequence changes on RNA splicing suggest that this variant may create or strengthen a splice site. Algorithms developed to predict the effect of missense changes on protein structure and function output the following: SIFT: "Tolerated"; PolyPhen-2: "Benign"; Align-GVGD: "Class C0". The valine amino acid residue is found in multiple mammalian species, which suggests that this missense change does not adversely affect protein function. This variant has not been reported in the literature in individuals affected with AGBL5-related conditions. This variant is present in population databases (no rsID available, gnomAD 0.008%).

Blueprint Genetics
Classification: Uncertain significance. Last evaluated: 2021-09-08. Review status: criteria provided, single submitter. Criteria: ACMG Guidelines, 2015. Collection method: clinical testing. Allele origin: germline.

NM_021831.6(AGBL5):c.2236A>G (p.Ile746Val)

Gene: AGBL5 (AGBL carboxypeptidase 5; plus strand). Cytogenetic location: 2p23.3.
Variant type: single nucleotide variant.
Coding change: c.2236A>G on transcript NM_021831.6 (MANE Select); coding-DNA position 2236, A replaced by G.
Protein change: p.Ile746Val; replaces isoleucine 746 with valine.
Molecular consequence: missense variant. On other transcripts: non-coding transcript variant (2).
Genome position (GRCh38, 1-based): chr2:27,067,640, A>G. VCF-style: chr2-27067640-A-G. GRCh37 (hg19) VCF-style: chr2-27290508-A-G.
Other names: c.2236A>G, p.Ile746Val (NM_001035506.1); c.2236A>G (NM_021831.5); short protein forms I746V.
Identifiers: ClinVar variation 1975640 (VCV001975640.7), dbSNP rs1024818150, ClinGen allele CA44459481.